The following is an entry in ClinVar:

NM_021098.3(CACNA1H):c.1969T>C (p.Tyr657His)

Gene: CACNA1H (calcium voltage-gated channel subunit alpha1 H; plus strand). Cytogenetic location: 16p13.3.
Variant type: single nucleotide variant.
Coding change: c.1969T>C on transcript NM_021098.3 (MANE Select); coding-DNA position 1969, T replaced by C.
Protein change: p.Tyr657His; replaces tyrosine 657 with histidine.
Molecular consequence: missense variant.
Genome position (GRCh38, 1-based): chr16:1,202,419, T>C. VCF-style: chr16-1202419-T-C. GRCh37 (hg19) VCF-style: chr16-1252419-T-C.
Other names: c.1969T>C, p.Tyr657His (NM_001005407.2); short protein forms Y657H.
Identifiers: ClinVar variation 1703434 (VCV001703434.4), dbSNP rs1370356700, ClinGen allele CA394163418.

ClinVar aggregate classification (germline): Conflicting classifications of pathogenicity. Review status: criteria provided, conflicting classifications (1 of 4 stars). 2 submissions from 2 submitters: Uncertain significance (1); Likely benign (1). Last evaluated 2024-10-30.

Conditions:
Idiopathic generalized epilepsy. Also called: Generalised epilepsy; EIG. Identifiers: MedGen C0270850, MONDO:0005579, OMIM 600669.
Hyperaldosteronism, familial, type IV (HALD4). Also called: FH IV; ALDOSTERONISM, PRIMARY, AND HYPERTENSION. Identifiers: Orphanet 642671, MedGen C4310756, MONDO:0014875, OMIM 617027.

Allele frequency attached by ClinVar (database versions not stated): gnomAD 0.00001; gnomAD exomes 0.00001.
gnomAD v4.1: 7 of 1,515,466 alleles (0.00046%); highest among the groups gnomAD compares: South Asian, 0.0012%; no homozygotes.

Submissions (2):

Labcorp Genetics (formerly Invitae), Labcorp
Classification: Likely benign for Idiopathic generalized epilepsy; Hyperaldosteronism, familial, type IV. Last evaluated: 2024-10-30. Review status: criteria provided, single submitter. Criteria: Invitae Variant Classification Sherloc (09022015). Collection method: clinical testing. Allele origin: germline.

GeneDx
Classification: Uncertain significance. Last evaluated: 2022-02-27. Review status: criteria provided, single submitter. Criteria: GeneDx Variant Classification Process June 2021. Collection method: clinical testing. Allele origin: germline. Affected: yes.
Comment: In silico analysis supports that this missense variant has a deleterious effect on protein structure/function; Has not been previously published as pathogenic or benign to our knowledge